The following is an entry in ClinVar:

NM_015910.7(WDPCP):c.1285A>G (p.Ser429Gly)

Gene: WDPCP (WD repeat containing planar cell polarity effector; minus strand). Cytogenetic location: 2p15.
Variant type: single nucleotide variant.
Coding change: c.1285A>G on transcript NM_015910.7 (MANE Select); coding-DNA position 1285, A replaced by G.
Protein change: p.Ser429Gly; replaces serine 429 with glycine.
Molecular consequence: missense variant. On other transcripts: non-coding transcript variant (3).
Genome position (GRCh38, 1-based): chr2:63,404,198, T>C on the plus strand (A>G on the coding strand, the complement: WDPCP is on the minus strand). VCF-style: chr2-63404198-T-C. GRCh37 (hg19) VCF-style: chr2-63631333-T-C.
Other names: c.808A>G, p.Ser270Gly (NM_001042692.3); c.1213A>G, p.Ser405Gly (NM_001354044.2); c.1285A>G, p.Ser429Gly (NM_001354045.2); short protein forms S270G, S405G, S429G.
Identifiers: ClinVar variation 4995133 (VCV004995133.1).

ClinVar aggregate classification (germline): Uncertain significance (1 of 4 stars; one submission).

Conditions:
WDPCP-related disorder. Also called: WDPCP-related condition.

gnomAD v4.1: 3 of 1,614,010 alleles (0.00019%); highest among the groups gnomAD compares: Non-Finnish European, 0.00025%; no homozygotes.

Submission:

PreventionGenetics, part of Exact Sciences
Classification: Uncertain significance for WDPCP-related condition. Last evaluated: 2025-10-30. Review status: criteria provided, single submitter. Criteria: ACMG Guidelines, 2015. Collection method: clinical testing. Allele origin: germline.
Comment: The WDPCP c.1285A>G variant is predicted to result in the amino acid substitution p.Ser429Gly. To our knowledge, this variant has not been reported in the literature. This variant is reported in 0.00089% of alleles in individuals of European (Non-Finnish) descent in gnomAD. At this time, the clinical significance of this variant is uncertain due to the absence of conclusive functional and genetic evidence.